The following is an entry in ClinVar:

ClinVar aggregate classification (germline): Uncertain significance (1 of 4 stars; one submission).

Conditions:
PLXNA2-related disorder. Also called: PLXNA2-related condition.

Submission:

PreventionGenetics, part of Exact Sciences
Classification: Uncertain significance for PLXNA2-related condition. Last evaluated: 2025-07-23. Review status: criteria provided, single submitter. Criteria: ACMG Guidelines, 2015. Collection method: clinical testing. Allele origin: germline.
Comment: The PLXNA2 c.1412A>C variant is predicted to result in the amino acid substitution p.Glu471Ala. To our knowledge, this variant has not been reported in the literature or in a large population database (gnomAD), indicating this variant is rare. At this time, the clinical significance of this variant is uncertain due to the absence of conclusive functional and genetic evidence.

NM_025179.4(PLXNA2):c.1412A>C (p.Glu471Ala)

Gene: PLXNA2 (plexin A2; minus strand). Cytogenetic location: 1q32.2.
Variant type: single nucleotide variant.
Coding change: c.1412A>C on transcript NM_025179.4 (MANE Select); coding-DNA position 1412, A replaced by C.
Protein change: p.Glu471Ala; replaces glutamic acid 471 with alanine.
Molecular consequence: missense variant.
Genome position (GRCh38, 1-based): chr1:208,142,423, T>G on the plus strand (A>C on the coding strand, the complement: PLXNA2 is on the minus strand). VCF-style: chr1-208142423-T-G. GRCh37 (hg19) VCF-style: chr1-208315768-T-G.
Other names: short protein forms E471A.
Identifiers: ClinVar variation 5002335 (VCV005002335.1).
Genomic context (GRCh38, chr1:208,142,423, plus strand): 5'-TCAATGGAGAAGGCCATGTCCCGGAGGATGGGGCTTCCGTCCTTGAGCACAGAGACCATC[T>G]CGTACTGGACCCCACCATGGGGGGGACCGTCGGCCCGAATCTGTATGAGAAACAAGGGTG-3'
Protein context (NP_079455.3, residues 461-481): DGPPHGGVQY[Glu471Ala]MVSVLKDGSP